The following is an entry in ClinVar:

ClinVar aggregate classification (germline): Benign (0 of 4 stars; one submission).

Conditions:
TEX15-related disorder. Also called: TEX15-related condition.

Allele frequency attached by ClinVar (database versions not stated): TOPMed 0.00007; ESP Exome Variant Server 0.00008; gnomAD 0.00038; gnomAD exomes 0.00075; ExAC 0.00175; 1000 Genomes Project 0.00280; 1000 Genomes Project 30x 0.00297.
gnomAD v4.1: 1,147 of 1,613,612 alleles (0.071%); highest among the groups gnomAD compares: South Asian, 1.2%; 20 homozygotes.

Submission:

PreventionGenetics, part of Exact Sciences
Classification: Benign for TEX15-related condition. Last evaluated: 2019-10-28. Review status: no assertion criteria provided. Collection method: clinical testing. Allele origin: germline.
Comment: This variant is classified as benign based on ACMG/AMP sequence variant interpretation guidelines (Richards et al. 2015 PMID: 25741868, with internal and published modifications).

NM_001350162.2(TEX15):c.3485A>G (p.Asn1162Ser)

Gene: TEX15 (testis expressed 15, meiosis and synapsis associated; minus strand). Cytogenetic location: 8p12.
Variant type: single nucleotide variant.
Coding change: c.3485A>G on transcript NM_001350162.2 (MANE Select); coding-DNA position 3485, A replaced by G.
Protein change: p.Asn1162Ser; replaces asparagine 1162 with serine.
Molecular consequence: missense variant.
Genome position (GRCh38, 1-based): chr8:30,846,682, T>C on the plus strand (A>G on the coding strand, the complement: TEX15 is on the minus strand). VCF-style: chr8-30846682-T-C. GRCh37 (hg19) VCF-style: chr8-30704198-T-C.
Other names: c.2336A>G, p.Asn779Ser (NM_031271.3); short protein forms N1162S, N779S.
Identifiers: ClinVar variation 3039857 (VCV003039857.2), dbSNP rs374900501, ClinGen allele CA4703243.
Genomic context (GRCh38, chr8:30,846,682, plus strand): 5'-CAAAAACTATCTTTCAATGCAAGGGAGTCAGCTGTCGGGCTGAATCCTGGCCTAAATATA[T>C]TAGTAATTTTAATTTGTAGATCTGGAAGTAAAATTGGGCTGGTAAGTTCTGTTTCATTGT-3'
Protein context (NP_001337091.1, residues 1152-1172): LLPDLQIKIT[Asn1162Ser]IFRPGFSPTA